The following is an entry in ClinVar:

NM_000202.8(IDS):c.682C>A (p.Pro228Thr)

Genes: IDS (iduronate 2-sulfatase; minus strand), LOC106050102 (IDS recombination region; plus strand). Cytogenetic location: Xq28.
Variant type: single nucleotide variant.
Coding change: c.682C>A on transcript NM_000202.8 (MANE Select); coding-DNA position 682, C replaced by A.
Protein change: p.Pro228Thr; replaces proline 228 with threonine.
Molecular consequence: missense variant. On other transcripts: non-coding transcript variant (1).
Genome position (GRCh38, 1-based): chrX:149,498,133, G>T on the plus strand (C>A on the coding strand, the complement: IDS is on the minus strand). VCF-style: chrX-149498133-G-T. GRCh37 (hg19) VCF-style: chrX-148579664-G-T.
Other names: c.412C>A, p.Pro138Thr (NM_001166550.4); c.682C>A, p.Pro228Thr (NM_006123.5); short protein forms P138T, P228T.
Identifiers: ClinVar variation 3255802 (VCV003255802.2).

ClinVar aggregate classification (germline): Likely pathogenic (1 of 4 stars; one submission).

Conditions:
Mucopolysaccharidosis, MPS-II (MPS2). Also called: Hunter Syndrome; IDURONATE 2-SULFATASE DEFICIENCY; Mucopolysaccharidosis Type II; Mucopolysaccharidosis type 2; Attenuated MPS (subtype; formerly known as mild MPS II); Severe MPS II. Identifiers: Orphanet 580, Orphanet 79388, MedGen C0026705, MONDO:0010674, OMIM 309900.

Submission:

Laboratory of Diagnosis and Therapy of Lysosomal Disorders, University of Padova
Classification: Likely pathogenic for Mucopolysaccharidosis, MPS-II. Last evaluated: 2024-06-07. Review status: criteria provided, single submitter. Criteria: ACMG Guidelines, 2015. Collection method: literature only. Allele origin: germline. Affected: yes. Observed: 1 variant allele.
Comment: Absent from controls (or at low frequency) in gnomAD database (PM2_Moderate), Missense variant in a gene with a low rate of benign missense variation (PP2_Supporting), Multiple lines of computational evidence support a deleterious effect (PP3_Supporting), Patient’s phenotype or family history highly specific for the disease (PP4_Strong)

Classification method: ACMG Guidelines [PMID:25741868] with modifications

Literature cited by the submitters: PubMed 9762601.